The following is an entry in ClinVar:

NM_001005242.3(PKP2):c.1556+9A>G

Gene: PKP2 (plakophilin 2; minus strand). Cytogenetic location: 12p11.21.
Variant type: single nucleotide variant.
Coding change: c.1556+9A>G on transcript NM_001005242.3 (MANE Select); 9 bases into the intron after coding-DNA position 1556, A replaced by G.
Molecular consequence: intron variant.
Genome position (GRCh38, 1-based): chr12:32,841,019, T>C on the plus strand (A>G on the coding strand, the complement: PKP2 is on the minus strand). VCF-style: chr12-32841019-T-C. GRCh37 (hg19) VCF-style: chr12-32993953-T-C.
Other names: c.1688+9A>G (NM_004572.4).
Identifiers: ClinVar variation 45039 (VCV000045039.19), dbSNP rs397517004, ClinGen allele CA011312.

ClinVar aggregate classification (germline): Benign/Likely benign. Review status: criteria provided, multiple submitters, no conflicts (2 of 4 stars). 6 submissions from 6 submitters: Benign (2); Likely benign (2). 2 of the submissions do not count toward it. Last evaluated 2025-11-12.

Conditions:
Arrhythmogenic right ventricular dysplasia 9 (ARVD9). Also called: Arrhythmogenic Right Ventricular Dysplasia/Cardiomyopathy 9; ARRHYTHMOGENIC RIGHT VENTRICULAR DYSPLASIA, FAMILIAL, 9. Identifiers: MedGen C1836906, MONDO:0012180, OMIM 609040.

Allele frequency attached by ClinVar (database versions not stated): gnomAD below 0.00001 and 0.00012; TOPMed 0.00004; gnomAD exomes 0.00021 and 0.00042; ExAC 0.00049; 1000 Genomes Project 0.00080; 1000 Genomes Project 30x 0.00094.
gnomAD v4.1: 334 of 1,609,322 alleles (0.021%); highest among the groups gnomAD compares: South Asian, 0.34%; 2 homozygotes.

Submissions (6):

Labcorp Genetics (formerly Invitae), Labcorp
Classification: Benign for Arrhythmogenic right ventricular dysplasia 9. Last evaluated: 2025-11-12. Review status: criteria provided, single submitter. Criteria: Invitae Variant Classification Sherloc (09022015). Collection method: clinical testing. Allele origin: germline.

Blueprint Genetics
Classification: Likely benign. Last evaluated: 2023-10-31. Review status: criteria provided, single submitter. Criteria: ACMG Guidelines, 2015. Collection method: clinical testing. Allele origin: germline.

GeneDx
Classification: Benign. Last evaluated: 2017-04-21. Review status: criteria provided, single submitter. Criteria: GeneDx Variant Classification (06012015). Collection method: clinical testing. Allele origin: germline. Affected: yes.
Comment: This variant is considered likely benign or benign based on one or more of the following criteria: it is a conservative change, it occurs at a poorly conserved position in the protein, it is predicted to be benign by multiple in silico algorithms, and/or has population frequency not consistent with disease.

Laboratory for Molecular Medicine, Mass General Brigham Personalized Medicine
Classification: Likely benign. Last evaluated: 2012-09-12. Review status: criteria provided, single submitter. Criteria: LMM Criteria. Collection method: clinical testing. Allele origin: germline. Observed: 2 variant alleles.
Comment: 1688+9A>G in intron 7 of PKP2: This variant is not expected to have clinical sig nificance because it is not located within the splice consensus sequence. 168 8+9A>G in intron 7 of PKP2 (allele frequency = n/a)

Clinical Genetics DNA and cytogenetics Diagnostics Lab, Erasmus MC, Erasmus Medical Center
Classification: Likely benign. Review status: no assertion criteria provided. Collection method: clinical testing. Allele origin: germline. Affected: yes. Study: VKGL Data-share Consensus. Not counted in ClinVar's aggregate classification.

Clinical Genetics, Academic Medical Center
Classification: Benign. Review status: no assertion criteria provided. Collection method: clinical testing. Allele origin: germline. Affected: yes. Study: VKGL Data-share Consensus. Not counted in ClinVar's aggregate classification.